The following is an entry in ClinVar:

NM_001105206.3(LAMA4):c.1190-165C>T

Gene: LAMA4 (laminin subunit alpha 4; minus strand). Cytogenetic location: 6q21.
Variant type: single nucleotide variant.
Coding change: c.1190-165C>T on transcript NM_001105206.3 (MANE Select); 165 bases into the intron before coding-DNA position 1190, C replaced by T.
Molecular consequence: intron variant.
Genome position (GRCh38, 1-based): chr6:112,175,645, G>A on the plus strand (C>T on the coding strand, the complement: LAMA4 is on the minus strand). VCF-style: chr6-112175645-G-A. GRCh37 (hg19) VCF-style: chr6-112496847-G-A.
Other names: c.1169-165C>T (NM_002290.5, NM_001105207.3).
Identifiers: ClinVar variation 674538 (VCV000674538.1), dbSNP rs73538516, ClinGen allele CA144877356.

ClinVar aggregate classification (germline): Benign (1 of 4 stars; one submission).

Allele frequency attached by ClinVar (database versions not stated): gnomAD 0.07359 and 0.07831; TOPMed 0.07846; 1000 Genomes Project 0.08127; 1000 Genomes Project 30x 0.09072.
gnomAD v4.1: 11,116 of 152,256 alleles (7.3%); highest among the groups gnomAD compares: African/African-American, 23%; 1,098 homozygotes.

Submission:

GeneDx
Classification: Benign. Last evaluated: 2018-06-16. Review status: criteria provided, single submitter. Criteria: GeneDx Variant Classification (06012015). Collection method: clinical testing. Allele origin: germline. Affected: yes.
Comment: This variant is considered likely benign or benign based on one or more of the following criteria: it is a conservative change, it occurs at a poorly conserved position in the protein, it is predicted to be benign by multiple in silico algorithms, and/or has population frequency not consistent with disease.